The following is an entry in ClinVar:

ClinVar aggregate classification (germline): Uncertain significance (1 of 4 stars; one submission).

Conditions:
RFT1-congenital disorder of glycosylation (CDG1N). Also called: Congenital disorder of glycosylation type In; RFT1-CDG; CDG In. Identifiers: Orphanet 244310, MedGen C2677590, MONDO:0012783, OMIM 612015.

Submission:

Labcorp Genetics (formerly Invitae), Labcorp
Classification: Uncertain significance for RFT1-congenital disorder of glycosylation. Last evaluated: 2021-12-09. Review status: criteria provided, single submitter. Criteria: Invitae Variant Classification Sherloc (09022015). Collection method: clinical testing. Allele origin: germline.
Comment: A copy number gain of the genomic region encompassing the full coding sequence of the RFT1 gene has been identified. The boundaries of this event are unknown as they extend beyond the assayed region for this gene and therefore may encompass additional genes. As the precise location of this event is unknown, it may be in tandem or it may be located elsewhere in the genome. This variant has not been reported in the literature in individuals affected with RFT1-related conditions. In summary, the available evidence is currently insufficient to determine the role of this variant in disease. Therefore, it has been classified as a Variant of Uncertain Significance.

NC_000003.11:g.(?_53125919)_(53164416_?)dup

Gene: RFT1 (RFT1 glycolipid translocator homolog; minus strand). Cytogenetic location: 3p21.1.
Variant type: Duplication.
Identifiers: ClinVar variation 2427147 (VCV002427147.4).